The following is an entry in ClinVar:

NM_001365951.3(KIF1B):c.1933G>A (p.Glu645Lys)

Gene: KIF1B (kinesin family member 1B; plus strand). Cytogenetic location: 1p36.22.
Variant type: single nucleotide variant.
Coding change: c.1933G>A on transcript NM_001365951.3 (MANE Select); coding-DNA position 1933, G replaced by A.
Protein change: p.Glu645Lys; replaces glutamic acid 645 with lysine.
Molecular consequence: missense variant.
Genome position (GRCh38, 1-based): chr1:10,296,968, G>A. VCF-style: chr1-10296968-G-A. GRCh37 (hg19) VCF-style: chr1-10357026-G-A.
Other names: c.1933G>A, p.Glu645Lys (NM_001365952.1); c.1795G>A, p.Glu599Lys (NM_001365953.1, NM_015074.3, NM_183416.4); short protein forms E645K, E599K.
Identifiers: ClinVar variation 1780253 (VCV001780253.3), dbSNP rs2521402275, ClinGen allele CA338316808.

ClinVar aggregate classification (germline): Uncertain significance (1 of 4 stars; one submission).

Submission:

Ambry Genetics
Classification: Uncertain significance. Last evaluated: 2022-10-31. Review status: criteria provided, single submitter. Criteria: Ambry Variant Classification Scheme 2023. Collection method: clinical testing. Allele origin: germline.
Comment: The p.E599K variant (also known as c.1795G>A), located in coding exon 18 of the KIF1B gene, results from a G to A substitution at nucleotide position 1795. The glutamic acid at codon 599 is replaced by lysine, an amino acid with similar properties. This amino acid position is conserved. In addition, the in silico prediction for this alteration is inconclusive. Since supporting evidence is limited at this time, the clinical significance of this alteration remains unclear.